The following is an entry in ClinVar:

NM_203447.4(DOCK8):c.6112G>C (p.Asp2038His)

Gene: DOCK8 (dedicator of cytokinesis 8; plus strand). Cytogenetic location: 9p24.3.
Variant type: single nucleotide variant.
Coding change: c.6112G>C on transcript NM_203447.4 (MANE Select); coding-DNA position 6112, G replaced by C.
Protein change: p.Asp2038His; replaces aspartic acid 2038 with histidine.
Molecular consequence: missense variant.
Genome position (GRCh38, 1-based): chr9:463,560, G>C. VCF-style: chr9-463560-G-C. GRCh37 (hg19) VCF-style: chr9-463560-G-C.
Other names: c.5812G>C, p.Asp1938His (NM_001190458.2); c.5908G>C, p.Asp1970His (NM_001193536.2); short protein forms D1938H, D1970H, D2038H.
Identifiers: ClinVar variation 2814747 (VCV002814747.3), dbSNP rs779855884, ClinGen allele CA4959687.

ClinVar aggregate classification (germline): Uncertain significance (1 of 4 stars; one submission).

Conditions:
Combined immunodeficiency due to DOCK8 deficiency (HIES2). Also called: HIES autosomal recessive; Hyper-IgE recurrent infection syndrome, autosomal recessive; HYPER-IgE SYNDROME 2, AUTOSOMAL RECESSIVE, WITH RECURRENT INFECTIONS; HYPER-IgE RECURRENT INFECTION SYNDROME 2, AUTOSOMAL RECESSIVE; DOCK8 Deficiency. Identifiers: Orphanet 217390, MedGen C4722305, MONDO:0009478, OMIM 243700.

Allele frequency attached by ClinVar (database versions not stated): gnomAD exomes below 0.00001; ExAC 0.00002.
gnomAD v4.1: 3 of 1,614,206 alleles (0.00019%); highest among the groups gnomAD compares: Non-Finnish European, 0.00025%; no homozygotes.

Submission:

Labcorp Genetics (formerly Invitae), Labcorp
Classification: Uncertain significance for Combined immunodeficiency due to DOCK8 deficiency. Last evaluated: 2022-11-16. Review status: criteria provided, single submitter. Criteria: Invitae Variant Classification Sherloc (09022015). Collection method: clinical testing. Allele origin: germline.
Comment: This sequence change replaces aspartic acid, which is acidic and polar, with histidine, which is basic and polar, at codon 2038 of the DOCK8 protein (p.Asp2038His). This variant is present in population databases (rs779855884, gnomAD 0.002%). This variant has not been reported in the literature in individuals affected with DOCK8-related conditions. Advanced modeling of protein sequence and biophysical properties (such as structural, functional, and spatial information, amino acid conservation, physicochemical variation, residue mobility, and thermodynamic stability) performed at Invitae indicates that this missense variant is expected to disrupt DOCK8 protein function. In summary, the available evidence is currently insufficient to determine the role of this variant in disease. Therefore, it has been classified as a Variant of Uncertain Significance.